The following is an entry in ClinVar:

ClinVar aggregate classification (germline): Uncertain significance (1 of 4 stars; one submission).

Conditions:
Renal cell carcinoma. Identifiers: Orphanet 217071, MedGen C0007134, MeSH D002292, MONDO:0005086, HP:0005584.

gnomAD v4.1: 2 of 1,614,028 alleles (0.00012%); highest among the groups gnomAD compares: East Asian, 0.0045%; no homozygotes.

Submission:

Labcorp Genetics (formerly Invitae), Labcorp
Classification: Uncertain significance for Renal cell carcinoma. Last evaluated: 2019-03-26. Review status: criteria provided, single submitter. Criteria: Invitae Variant Classification Sherloc (09022015). Collection method: clinical testing. Allele origin: germline.
Comment: In summary, this variant is a novel missense change with uncertain impact on protein function. It has been classified as a Variant of Uncertain Significance. Algorithms developed to predict the effect of missense changes on protein structure and function do not agree on the potential impact of this missense change (SIFT: "Deleterious"; PolyPhen-2: "Probably Damaging"; Align-GVGD: "Class C0"). This variant is not present in population databases (ExAC no frequency) and has not been reported in the literature in individuals with a MET-related disease. This sequence change replaces proline with leucine at codon 93 of the MET protein (p.Pro93Leu). The proline residue is moderately conserved and there is a moderate physicochemical difference between proline and leucine.

NM_000245.4(MET):c.278C>T (p.Pro93Leu)

Gene: MET (MET proto-oncogene, receptor tyrosine kinase; plus strand). Cytogenetic location: 7q31.2.
Variant type: single nucleotide variant.
Coding change: c.278C>T on transcript NM_000245.4 (MANE Select); coding-DNA position 278, C replaced by T.
Protein change: p.Pro93Leu; replaces proline 93 with leucine.
Molecular consequence: missense variant. On other transcripts: intron variant (1).
Genome position (GRCh38, 1-based): chr7:116,699,362, C>T. VCF-style: chr7-116699362-C-T. GRCh37 (hg19) VCF-style: chr7-116339416-C-T.
Other names: c.278C>T, p.Pro93Leu (NM_001127500.3, NM_001324401.3); c.-91+26785C>T (NM_001324402.2); short protein forms P93L.
Identifiers: ClinVar variation 454221 (VCV000454221.10), dbSNP rs1306740707, ClinGen allele CA368968723.